The following is an entry in ClinVar:

NM_144596.4(TTC8):c.1390A>G (p.Met464Val)

Gene: TTC8 (tetratricopeptide repeat domain 8; plus strand). Cytogenetic location: 14q31.3.
Variant type: single nucleotide variant.
Coding change: c.1390A>G on transcript NM_144596.4 (MANE Select); coding-DNA position 1390, A replaced by G.
Protein change: p.Met464Val; replaces methionine 464 with valine.
Molecular consequence: missense variant. On other transcripts: non-coding transcript variant (1), intron variant (2).
Genome position (GRCh38, 1-based): chr14:88,875,068, A>G. VCF-style: chr14-88875068-A-G. GRCh37 (hg19) VCF-style: chr14-89341412-A-G.
Other names: c.1438A>G, p.Met480Val (NM_001288781.1); c.796A>G, p.Met266Val (NM_001288782.1); c.673A>G, p.Met225Val (NM_001288783.1); c.1360A>G, p.Met454Val (NM_198309.3); c.1270A>G, p.Met424Val (NM_198310.3); c.1318-2226A>G (NM_001366535.2); c.1228-2226A>G (NM_001366536.2); short protein forms M225V, M266V, M424V, M454V, M464V, M480V.
Identifiers: ClinVar variation 3355231 (VCV003355231.1).

ClinVar aggregate classification (germline): Uncertain significance (0 of 4 stars; one submission).

Conditions:
TTC8-related disorder. Also called: TTC8-related condition.

gnomAD v4.1: 3 of 1,612,904 alleles (0.00019%); highest among the groups gnomAD compares: African/African-American, 0.004%; no homozygotes.

Submission:

PreventionGenetics, part of Exact Sciences
Classification: Uncertain significance for TTC8-related condition. Last evaluated: 2024-04-29. Review status: no assertion criteria provided. Collection method: clinical testing. Allele origin: germline.
Comment: The TTC8 c.1390A>G variant is predicted to result in the amino acid substitution p.Met464Val. To our knowledge, this variant has not been reported in the literature. This variant is reported in 0.011% of alleles in individuals of African descent in gnomAD. At this time, the clinical significance of this variant is uncertain due to the absence of conclusive functional and genetic evidence.